The following is an entry in ClinVar:

NM_006218.4(PIK3CA):c.950A>G (p.Tyr317Cys)

Gene: PIK3CA (phosphatidylinositol-4,5-bisphosphate 3-kinase catalytic subunit alpha; plus strand). Cytogenetic location: 3q26.32.
Variant type: single nucleotide variant.
Coding change: c.950A>G on transcript NM_006218.4 (MANE Select); coding-DNA position 950, A replaced by G.
Protein change: p.Tyr317Cys; replaces tyrosine 317 with cysteine.
Molecular consequence: missense variant.
Genome position (GRCh38, 1-based): chr3:179,203,680, A>G. VCF-style: chr3-179203680-A-G. GRCh37 (hg19) VCF-style: chr3-178921468-A-G.
Other names: short protein forms Y317C.
Identifiers: ClinVar variation 1767204 (VCV001767204.3), dbSNP rs2108393000, ClinGen allele CA355280640.
Genomic context (GRCh38, chr3:179,203,680, plus strand): 5'-TGCCAATGGACTGTTTTACAATGCCATCTTATTCCAGACGCATTTCCACAGCTACACCAT[A>G]TATGAATGGAGAAACATCTACAAAATCCCTTTGGGTTATAAATAGTGCACTCAGAATAAA-3'
Protein context (NP_006209.2, residues 307-327): YSRRISTATP[Tyr317Cys]MNGETSTKSL

ClinVar aggregate classification (germline): Uncertain significance. Review status: criteria provided, multiple submitters, no conflicts (2 of 4 stars). 2 submissions from 2 submitters: Uncertain significance (2). Last evaluated 2026-08-01.

Conditions:
Inborn genetic diseases. Identifiers: MedGen C0950123, MeSH D030342.

Submissions (2):

CeGaT Center for Human Genetics Tuebingen
Classification: Uncertain significance. Last evaluated: 2026-08-01. Review status: criteria provided, single submitter. Criteria: CeGaT Center For Human Genetics Tuebingen Variant Classification Criteria Version 2. Collection method: clinical testing. Allele origin: germline. Affected: yes. Observed: 1 variant allele.
Comment: PIK3CA: PM2

Ambry Genetics
Classification: Uncertain significance for Inborn genetic diseases. Last evaluated: 2024-01-25. Review status: criteria provided, single submitter. Criteria: Ambry Variant Classification Scheme 2023. Collection method: clinical testing. Allele origin: germline.
Comment: The p.Y317C variant (also known as c.950A>G), located in coding exon 4 of the PIK3CA gene, results from an A to G substitution at nucleotide position 950. The tyrosine at codon 317 is replaced by cysteine, an amino acid with highly dissimilar properties. This amino acid position is conserved. In addition, the in silico prediction for this alteration is inconclusive. Since supporting evidence is limited at this time, the clinical significance of this alteration remains unclear.